The following is an entry in ClinVar:

NM_001080467.3(MYO5B):c.3123G>C (p.Gln1041His)

Genes: MYO5B (myosin VB; minus strand), LOC126862746 (CDK7 strongly-dependent group 2 enhancer GRCh37_chr18:47405587-47406786; plus strand). Cytogenetic location: 18q21.1.
Variant type: single nucleotide variant.
Coding change: c.3123G>C on transcript NM_001080467.3 (MANE Select); coding-DNA position 3123, G replaced by C.
Protein change: p.Gln1041His; replaces glutamine 1041 with histidine.
Molecular consequence: missense variant.
Genome position (GRCh38, 1-based): chr18:49,880,378, C>G on the plus strand (G>C on the coding strand, the complement: MYO5B is on the minus strand). VCF-style: chr18-49880378-C-G. GRCh37 (hg19) VCF-style: chr18-47406748-C-G.
Other names: c.3123G>C (NM_001080467.2); short protein forms Q1041H.
Identifiers: ClinVar variation 1948793 (VCV001948793.4), dbSNP rs981896430, ClinGen allele CA299977847.

ClinVar aggregate classification (germline): Uncertain significance. Review status: criteria provided, single submitter (1 of 4 stars). 2 submissions from 2 submitters: Uncertain significance (1). 1 of the submissions does not count toward it. Last evaluated 2022-11-20.

Conditions:
MYO5B-related disorder. Also called: MYO5B-related condition.

gnomAD v4.1: 3 of 1,613,858 alleles (0.00019%); highest among the groups gnomAD compares: East Asian, 0.0022%; no homozygotes.

Submissions (2):

Labcorp Genetics (formerly Invitae), Labcorp
Classification: Uncertain significance. Last evaluated: 2022-11-20. Review status: criteria provided, single submitter. Criteria: Invitae Variant Classification Sherloc (09022015). Collection method: clinical testing. Allele origin: germline.
Comment: In summary, the available evidence is currently insufficient to determine the role of this variant in disease. Therefore, it has been classified as a Variant of Uncertain Significance. Advanced modeling of protein sequence and biophysical properties (such as structural, functional, and spatial information, amino acid conservation, physicochemical variation, residue mobility, and thermodynamic stability) performed at Invitae indicates that this missense variant is not expected to disrupt MYO5B protein function. This variant has not been reported in the literature in individuals affected with MYO5B-related conditions. This variant is present in population databases (no rsID available, gnomAD 0.006%). This sequence change replaces glutamine, which is neutral and polar, with histidine, which is basic and polar, at codon 1041 of the MYO5B protein (p.Gln1041His).

PreventionGenetics, part of Exact Sciences
Classification: Uncertain significance for MYO5B-related condition. Last evaluated: 2024-08-23. Review status: no assertion criteria provided. Collection method: clinical testing. Allele origin: germline. Not counted in ClinVar's aggregate classification.
Comment: The MYO5B c.3123G>C variant is predicted to result in the amino acid substitution p.Gln1041His. To our knowledge, this variant has not been reported in the literature. This variant is reported in 0.0056% of alleles in individuals of East Asian descent in gnomAD. At this time, the clinical significance of this variant is uncertain due to the absence of conclusive functional and genetic evidence.